The following is an entry in ClinVar:

NM_015631.6(TCTN3):c.1792C>T (p.Leu598=)

Gene: TCTN3 (tectonic family member 3; minus strand). Cytogenetic location: 10q24.1.
Variant type: single nucleotide variant.
Coding change: c.1792C>T on transcript NM_015631.6 (MANE Select); coding-DNA position 1792, C replaced by T.
Protein change: p.Leu598=; no amino-acid change (leucine 598 retained).
Molecular consequence: synonymous variant.
Genome position (GRCh38, 1-based): chr10:95,664,099, G>A on the plus strand (C>T on the coding strand, the complement: TCTN3 is on the minus strand). VCF-style: chr10-95664099-G-A. GRCh37 (hg19) VCF-style: chr10-97423856-G-A.
Other names: c.1846C>T, p.Leu616= (NM_001013840.1); c.1348C>T, p.Leu450= (NM_001143973.2); c.1696C>T, p.Leu566= (NM_001410982.1).
Identifiers: ClinVar variation 1963980 (VCV001963980.20), dbSNP rs201503285, ClinGen allele CA5620742.

ClinVar aggregate classification (germline): Likely benign. Review status: criteria provided, multiple submitters, no conflicts (2 of 4 stars). 3 submissions from 3 submitters: Likely benign (3). Last evaluated 2026-01-18.

Conditions:
Joubert syndrome 18 (JBTS18). Identifiers: Orphanet 2754, MedGen C3553758, MONDO:0013896, OMIM 614815.
Orofacial-digital syndrome IV (OFD4). Also called: OFD SYNDROME WITH TIBIAL DEFECTS; OFD SYNDROME, BARAITSER-BURN TYPE; OFDS IV; ORAL-FACIAL-DIGITAL SYNDROME, TYPE IV; Orofaciodigital syndrome IV; BARAITSER-BURN SYNDROME. Identifiers: Orphanet 2753, MedGen C0406727, MONDO:0009794, OMIM 258860.

Allele frequency attached by ClinVar (database versions not stated): gnomAD 0.00001; gnomAD exomes 0.00001; ExAC 0.00002; TOPMed 0.00002.
gnomAD v4.1: 19 of 1,613,962 alleles (0.0012%); highest among the groups gnomAD compares: Non-Finnish European, 0.0016%; no homozygotes.

Submissions (3):

Labcorp Genetics (formerly Invitae), Labcorp
Classification: Likely benign for Joubert syndrome 18; Orofacial-digital syndrome IV. Last evaluated: 2026-01-18. Review status: criteria provided, single submitter. Criteria: Invitae Variant Classification Sherloc (09022015). Collection method: clinical testing. Allele origin: germline.

CeGaT Center for Human Genetics Tuebingen
Classification: Likely benign. Last evaluated: 2024-11-01. Review status: criteria provided, single submitter. Criteria: CeGaT Center For Human Genetics Tuebingen Variant Classification Criteria Version 2. Collection method: clinical testing. Allele origin: germline. Affected: yes. Observed: 1 variant allele.
Comment: TCTN3: BP4, BP7

Blueprint Genetics
Classification: Likely benign. Last evaluated: 2024-08-30. Review status: criteria provided, single submitter. Criteria: ACMG Guidelines, 2015. Collection method: clinical testing. Allele origin: germline.